The following is an entry in ClinVar:

ClinVar aggregate classification (germline): Uncertain significance (1 of 4 stars; one submission).

gnomAD v4.1: 1 of 1,614,142 alleles (0.000062%); highest among the groups gnomAD compares: Non-Finnish European, 0.000085%; no homozygotes.

Submission:

Labcorp Genetics (formerly Invitae), Labcorp
Classification: Uncertain significance. Last evaluated: 2023-11-28. Review status: criteria provided, single submitter. Criteria: Invitae Variant Classification Sherloc (09022015). Collection method: clinical testing. Allele origin: germline.
Comment: This sequence change replaces glutamine, which is neutral and polar, with proline, which is neutral and non-polar, at codon 488 of the HPS5 protein (p.Gln488Pro). This variant is not present in population databases (gnomAD no frequency). This variant has not been reported in the literature in individuals affected with HPS5-related conditions. ClinVar contains an entry for this variant (Variation ID: 1442535). Algorithms developed to predict the effect of missense changes on protein structure and function output the following: SIFT: "Not Available"; PolyPhen-2: "Benign"; Align-GVGD: "Not Available". The proline amino acid residue is found in multiple mammalian species, which suggests that this missense change does not adversely affect protein function. In summary, the available evidence is currently insufficient to determine the role of this variant in disease. Therefore, it has been classified as a Variant of Uncertain Significance.

NM_181507.2(HPS5):c.1463A>C (p.Gln488Pro)

Gene: HPS5 (HPS5 biogenesis of lysosomal organelles complex 2 subunit 2; minus strand). Cytogenetic location: 11p15.1.
Variant type: single nucleotide variant.
Coding change: c.1463A>C on transcript NM_181507.2 (MANE Select); coding-DNA position 1463, A replaced by C.
Protein change: p.Gln488Pro; replaces glutamine 488 with proline.
Molecular consequence: missense variant.
Genome position (GRCh38, 1-based): chr11:18,296,845, T>G on the plus strand (A>C on the coding strand, the complement: HPS5 is on the minus strand). VCF-style: chr11-18296845-T-G. GRCh37 (hg19) VCF-style: chr11-18318392-T-G.
Other names: c.1121A>C, p.Gln374Pro (NM_007216.4, NM_181508.2); short protein forms Q488P, Q374P.
Identifiers: ClinVar variation 1442535 (VCV001442535.8), dbSNP rs1861131677, ClinGen allele CA379495389.